The following is an entry in ClinVar:

NM_005359.6(SMAD4):c.1296T>A (p.Ser432Arg)

Gene: SMAD4 (SMAD family member 4; plus strand). Cytogenetic location: 18q21.2.
Variant type: single nucleotide variant.
Coding change: c.1296T>A on transcript NM_005359.6 (MANE Select); coding-DNA position 1296, T replaced by A.
Protein change: p.Ser432Arg; replaces serine 432 with arginine.
Molecular consequence: missense variant. On other transcripts: non-coding transcript variant (1).
Genome position (GRCh38, 1-based): chr18:51,067,175, T>A. VCF-style: chr18-51067175-T-A. GRCh37 (hg19) VCF-style: chr18-48593545-T-A.
Other names: c.1296T>A, p.Ser432Arg (NM_001407041.1, NM_001407042.1); short protein forms S432R.
Identifiers: ClinVar variation 4042573 (VCV004042573.1).

ClinVar aggregate classification (germline): Uncertain significance (1 of 4 stars; one submission).

Conditions:
Familial thoracic aortic aneurysm and aortic dissection (TAAD). Also called: Thoracic aortic aneurysms and dissections. Identifiers: Orphanet 91387, MedGen C4707243, MONDO:0019625.
Hereditary cancer-predisposing syndrome. Also called: Neoplastic Syndromes, Hereditary; Tumor predisposition; Hereditary neoplastic syndrome; Hereditary Cancer Syndrome. Identifiers: Orphanet 140162, MedGen C0027672, MeSH D009386, MONDO:0015356.

Submission:

Ambry Genetics
Classification: Uncertain significance for Hereditary cancer-predisposing syndrome; Familial thoracic aortic aneurysm and aortic dissection. Last evaluated: 2025-03-27. Review status: criteria provided, single submitter. Criteria: Ambry Variant Classification Scheme 2023. Collection method: clinical testing. Allele origin: germline.
Comment: The p.S432R variant (also known as c.1296T>A), located in coding exon 9 of the SMAD4 gene, results from a T to A substitution at nucleotide position 1296. The serine at codon 432 is replaced by arginine, an amino acid with dissimilar properties. This amino acid position is conserved. In addition, this alteration is predicted to be deleterious by in silico analysis. Based on the available evidence, the clinical significance of this variant remains unclear.